The following is an entry in ClinVar:

ClinVar aggregate classification (germline): Likely benign (1 of 4 stars; one submission).

Allele frequency attached by ClinVar (database versions not stated): TOPMed 0.00042; gnomAD 0.00054 and 0.00056.

Submission:

CeGaT Center for Human Genetics Tuebingen
Classification: Likely benign. Last evaluated: 2023-01-01. Review status: criteria provided, single submitter. Criteria: CeGaT Center For Human Genetics Tuebingen Variant Classification Criteria Version 2. Collection method: clinical testing. Allele origin: germline. Affected: yes. Observed: 2 variant alleles.
Comment: SMARCA4: BS1

NM_003072.5(SMARCA4):c.*299C>T

Gene: SMARCA4 (SWI/SNF related BAF chromatin remodeling complex subunit ATPase 4; plus strand). Cytogenetic location: 19p13.2.
Variant type: single nucleotide variant.
Coding change: c.*299C>T on transcript NM_003072.5 (MANE Select); 299 bases downstream of the stop codon, C replaced by T.
Molecular consequence: 3 prime UTR variant. On other transcripts: non-coding transcript variant (1).
Genome position (GRCh38, 1-based): chr19:11,062,115, C>T. VCF-style: chr19-11062115-C-T. GRCh37 (hg19) VCF-style: chr19-11172791-C-T.
Other names: c.*299C>T (NM_001128844.3, NM_001128845.2, NM_001128846.2 and 5 more transcripts).
Identifiers: ClinVar variation 328044 (VCV000328044.29), dbSNP rs772399601, ClinGen allele CA10642193.